The following is an entry in ClinVar:

ClinVar aggregate classification (germline): Benign. Review status: criteria provided, single submitter (1 of 4 stars). 2 submissions from 2 submitters: Benign (1). 1 of the submissions does not count toward it. Last evaluated 2024-07-01.

Conditions:
SPEN-related disorder. Also called: SPEN-related condition.

Allele frequency attached by ClinVar (database versions not stated): TOPMed 0.00011; gnomAD 0.00058; gnomAD exomes 0.00095; ExAC 0.00184; 1000 Genomes Project 30x 0.00484; 1000 Genomes Project 0.00499.
gnomAD v4.1: 1,482 of 1,613,280 alleles (0.092%); highest among the groups gnomAD compares: South Asian, 1.3%; 24 homozygotes.

Submissions (2):

CeGaT Center for Human Genetics Tuebingen
Classification: Benign. Last evaluated: 2024-07-01. Review status: criteria provided, single submitter. Criteria: CeGaT Center For Human Genetics Tuebingen Variant Classification Criteria Version 2. Collection method: clinical testing. Allele origin: germline. Affected: yes. Observed: 1 variant allele.
Comment: SPEN: BP4, BS1, BS2

PreventionGenetics, part of Exact Sciences
Classification: Benign for SPEN-related condition. Last evaluated: 2019-04-03. Review status: no assertion criteria provided. Collection method: clinical testing. Allele origin: germline. Not counted in ClinVar's aggregate classification.
Comment: This variant is classified as benign based on ACMG/AMP sequence variant interpretation guidelines (Richards et al. 2015 PMID: 25741868, with internal and published modifications).

NM_015001.3(SPEN):c.6200C>T (p.Pro2067Leu)

Gene: SPEN (spen family transcriptional repressor; plus strand). Cytogenetic location: 1p36.13.
Variant type: single nucleotide variant.
Coding change: c.6200C>T on transcript NM_015001.3 (MANE Select); coding-DNA position 6200, C replaced by T.
Protein change: p.Pro2067Leu; replaces proline 2067 with leucine.
Molecular consequence: missense variant.
Genome position (GRCh38, 1-based): chr1:15,932,440, C>T. VCF-style: chr1-15932440-C-T. GRCh37 (hg19) VCF-style: chr1-16258935-C-T.
Other names: short protein forms P2067L.
Identifiers: ClinVar variation 3038311 (VCV003038311.18), dbSNP rs546998631, ClinGen allele CA619883.